The following is an entry in ClinVar:

NM_020975.6(RET):c.1063A>G (p.Arg355Gly)

Gene: RET (ret proto-oncogene; plus strand). Cytogenetic location: 10q11.21.
Variant type: single nucleotide variant.
Coding change: c.1063A>G on transcript NM_020975.6 (MANE Select); coding-DNA position 1063, A replaced by G.
Protein change: p.Arg355Gly; replaces arginine 355 with glycine.
Molecular consequence: missense variant.
Genome position (GRCh38, 1-based): chr10:43,106,571, A>G. VCF-style: chr10-43106571-A-G. GRCh37 (hg19) VCF-style: chr10-43602019-A-G.
Other names: c.1063A>G, p.Arg355Gly (NM_000323.2, NM_001406743.1, NM_001406744.1 and 6 more transcripts); c.301A>G, p.Arg101Gly (NM_001355216.2); c.934A>G, p.Arg312Gly (NM_001406761.1, NM_001406762.1, NM_001406764.1 and 1 more transcripts); c.775A>G, p.Arg259Gly (NM_001406766.1, NM_001406767.1, NM_001406770.1); short protein forms R101G, R355G, R259G, R312G.
Identifiers: ClinVar variation 666109 (VCV000666109.20), dbSNP rs145402131, ClinGen allele CA031100.

ClinVar aggregate classification (germline): Conflicting classifications of pathogenicity. Review status: criteria provided, conflicting classifications (1 of 4 stars). 7 submissions from 7 submitters: Uncertain significance (5); Likely benign (2). Last evaluated 2025-12-15.

Conditions:
Hereditary cancer-predisposing syndrome. Also called: Neoplastic Syndromes, Hereditary; Hereditary Cancer Syndrome; Tumor predisposition; Hereditary neoplastic syndrome. Identifiers: Orphanet 140162, MedGen C0027672, MeSH D009386, MONDO:0015356.
Multiple endocrine neoplasia type 2A. Also called: MULTIPLE ENDOCRINE NEOPLASIA, TYPE IIA; PTC SYNDROME; SIPPLE SYNDROME; MEN 2A; MEN-2A syndrome; Pheochromocytoma and amyloid producing medullary thyroid carcinoma. Identifiers: Orphanet 247698, Orphanet 653, MedGen C0025268, MeSH D018813, MONDO:0008234, OMIM 171400.
Hirschsprung disease, susceptibility to, 1 (HSCR1). Also called: RET-Related Hirschsprung Disease. Identifiers: Orphanet 388, MedGen C3888239, MONDO:0007723, OMIM 142623.
Multiple endocrine neoplasia type 2B. Also called: MEN 2B; MUCOSAL NEUROMA SYNDROME; Multiple endocrine neoplasia, type 3; MULTIPLE ENDOCRINE NEOPLASIA, TYPE IIB; Multiple Endocrine Neoplasia Type 2B (MEN2B); MEN IIB. Identifiers: Orphanet 247709, Orphanet 653, MedGen C0025269, MeSH D018814, MONDO:0008082, OMIM 162300.
Pheochromocytoma. Also called: MAX-Related Hereditary Paraganglioma-Pheochromocytoma Syndrome. Identifiers: Orphanet 29072, MedGen C0031511, MONDO:0008233, OMIM 171300, HP:0002666.
Familial medullary thyroid carcinoma (MTC). Also called: Thyroid cancer, familial medullary; MTC, familial; Familial Medullary Thyroid Carcinoma (FMTC). Identifiers: Orphanet 653, Orphanet 99361, MedGen C1833921, MONDO:0007958, OMIM 155240.
Multiple endocrine neoplasia, type 2 (MEN2). Identifiers: Orphanet 653, MedGen C4048306, MONDO:0019003. Disease mechanism: gain of function.

Allele frequency attached by ClinVar (database versions not stated): TOPMed 0.00002; gnomAD 0.00003; ESP Exome Variant Server 0.00008.
gnomAD v4.1: 8 of 1,613,162 alleles (0.0005%); highest among the groups gnomAD compares: African/African-American, 0.0067%; no homozygotes.

Submissions (7):

Labcorp Genetics (formerly Invitae), Labcorp
Classification: Uncertain significance for Multiple endocrine neoplasia, type 2. Last evaluated: 2025-12-15. Review status: criteria provided, single submitter. Criteria: Invitae Variant Classification Sherloc (09022015). Collection method: clinical testing. Allele origin: germline.
Comment: This sequence change replaces arginine, which is basic and polar, with glycine, which is neutral and non-polar, at codon 355 of the RET protein (p.Arg355Gly). This variant is present in population databases (rs145402131, gnomAD 0.008%). This variant has not been reported in the literature in individuals affected with RET-related conditions. ClinVar contains an entry for this variant (Variation ID: 666109). An algorithm developed to predict the effect of missense changes on protein structure and function (PolyPhen-2) suggests that this variant is likely to be tolerated. In summary, the available evidence is currently insufficient to determine the role of this variant in disease. Therefore, it has been classified as a Variant of Uncertain Significance.

Color Diagnostics, LLC DBA Color Health
Classification: Uncertain significance for Multiple endocrine neoplasia, type 2. Last evaluated: 2025-09-30. Review status: criteria provided, single submitter. Criteria: ACMG Guidelines, 2015. Collection method: clinical testing. Allele origin: germline.
Comment: This missense variant replaces arginine with glycine at codon 355 of the RET protein. Computational predictions are inconclusive regarding the impact of this variant on protein structure and function. To our knowledge, functional studies have not been reported for this variant. This variant has not been reported in individuals affected with RET-related disorders in the literature. This variant has been identified in 8/1613162 chromosomes in the general population by the Genome Aggregation Database (gnomAD v4). Although there is a suspicion that this variant may not be associated with disease, additional studies are necessary to determine the role of this variant in disease conclusively. Therefore, this variant is classified as a Variant of Uncertain Significance.

Myriad Genetics, Inc.
Classification: Likely benign for Multiple endocrine neoplasia type 2A. Last evaluated: 2024-08-07. Review status: criteria provided, single submitter. Criteria: Myriad Autosomal Dominant, Autosomal Recessive and X-Linked Classification Criteria (2023). Collection method: clinical testing. Allele origin: unknown.
Comment: This variant is considered likely benign. This variant has been observed at a population frequency that is significantly greater than expected given the associated disease prevalence and penetrance.

Fulgent Genetics
Classification: Uncertain significance for Hirschsprung disease, susceptibility to, 1; Familial medullary thyroid carcinoma; Multiple endocrine neoplasia type 2B; Pheochromocytoma; Multiple endocrine neoplasia type 2A. Last evaluated: 2024-02-19. Review status: criteria provided, single submitter. Criteria: ACMG Guidelines, 2015. Collection method: clinical testing. Allele origin: germline.

Baylor Genetics
Classification: Uncertain significance for Hirschsprung disease, susceptibility to, 1. Last evaluated: 2024-02-01. Review status: criteria provided, single submitter. Criteria: ACMG Guidelines, 2015. Collection method: clinical testing. Allele origin: unknown.

All of Us Research Program, National Institutes of Health
Classification: Uncertain significance for Multiple endocrine neoplasia, type 2. Last evaluated: 2023-05-04. Review status: criteria provided, single submitter. Criteria: ACMG Guidelines, 2015. Collection method: clinical testing. Allele origin: germline. Inheritance: Autosomal dominant inheritance. Observed: 1 variant allele, 1 heterozygote.
Comment: This missense variant replaces arginine with glycine at codon 355 of the RET protein. Computational prediction suggests that this variant may not impact protein structure and function (internally defined REVEL score threshold <= 0.5, PMID: 27666373). To our knowledge, functional studies have not been reported for this variant. This variant has not been reported in individuals affected with RET-related disorders in the literature. This variant has been identified in 3/278158 chromosomes in the general population by the Genome Aggregation Database (gnomAD). The available evidence is insufficient to determine the role of this variant in disease conclusively. Therefore, this variant is classified as a Variant of Uncertain Significance.

This study involves interpretation of variants in research participants for the purpose of population health screening. Participant phenotype was not available at the time of variant classification. Additional details can be found in publication PMID: 35346344, PMCID: PMC8962531

Ambry Genetics
Classification: Likely benign for Hereditary cancer-predisposing syndrome. Last evaluated: 2021-12-03. Review status: criteria provided, single submitter. Criteria: Ambry Variant Classification Scheme 2023. Collection method: clinical testing. Allele origin: germline.